The following is an entry in ClinVar:

NM_000620.5(NOS1):c.1596C>T (p.Asn532=)

Gene: NOS1 (nitric oxide synthase 1; minus strand). Cytogenetic location: 12q24.22.
Variant type: single nucleotide variant.
Coding change: c.1596C>T on transcript NM_000620.5 (MANE Select); coding-DNA position 1596, C replaced by T.
Protein change: p.Asn532=; no amino-acid change (asparagine 532 retained).
Molecular consequence: synonymous variant.
Genome position (GRCh38, 1-based): chr12:117,278,027, G>A on the plus strand (C>T on the coding strand, the complement: NOS1 is on the minus strand). VCF-style: chr12-117278027-G-A. GRCh37 (hg19) VCF-style: chr12-117715832-G-A.
Other names: c.588C>T, p.Asn196= (NM_001204213.2, NM_001204214.2); c.1596C>T, p.Asn532= (NM_001204218.2).
Identifiers: ClinVar variation 3049236 (VCV003049236.2), dbSNP rs199772308, ClinGen allele CA6815096.

ClinVar aggregate classification (germline): Likely benign (0 of 4 stars; one submission).

Conditions:
NOS1-related disorder. Also called: NOS1-related condition.

Allele frequency attached by ClinVar (database versions not stated): gnomAD exomes 0.00002; ExAC 0.00006; 1000 Genomes Project 30x 0.00016; 1000 Genomes Project 0.00020; TOPMed 0.00022; ESP Exome Variant Server 0.00025; gnomAD 0.00027.
gnomAD v4.1: 77 of 1,614,048 alleles (0.0048%); highest among the groups gnomAD compares: African/African-American, 0.088%; no homozygotes.

Submission:

PreventionGenetics, part of Exact Sciences
Classification: Likely benign for NOS1-related condition. Last evaluated: 2019-03-21. Review status: no assertion criteria provided. Collection method: clinical testing. Allele origin: germline.
Comment: This variant is classified as likely benign based on ACMG/AMP sequence variant interpretation guidelines (Richards et al. 2015 PMID: 25741868, with internal and published modifications).